The following is an entry in ClinVar:

ClinVar aggregate classification (germline): Uncertain significance (1 of 4 stars; one submission).

Conditions:
Granulomatous disease, chronic, autosomal recessive, cytochrome b-positive, type 3. Also called: Granulomatous disease, chronic, autosomal recessive, cytochrome b-positive, type III; GRANULOMATOUS DISEASE, CHRONIC, AUTOSOMAL RECESSIVE, 3; GRANULOMATOUS DISEASE, CHRONIC, DUE TO NCF4 DEFICIENCY; CGD, AUTOSOMAL RECESSIVE CYTOCHROME b-POSITIVE, TYPE III. Identifiers: Orphanet 379, MedGen C3151409, MONDO:0013507, OMIM 613960.

Allele frequency attached by ClinVar (database versions not stated): gnomAD exomes 0.00009 and 0.00024; ExAC 0.00027; gnomAD 0.00035 and 0.00036; TOPMed 0.00049; 1000 Genomes Project 30x 0.00078; ESP Exome Variant Server 0.00023; 1000 Genomes Project 0.00100.
gnomAD v4.1: 196 of 1,612,222 alleles (0.012%); highest among the groups gnomAD compares: African/African-American, 0.1%; no homozygotes.

Submission:

Labcorp Genetics (formerly Invitae), Labcorp
Classification: Uncertain significance for Granulomatous disease, chronic, autosomal recessive, cytochrome b-positive, type 3. Last evaluated: 2022-10-18. Review status: criteria provided, single submitter. Criteria: Invitae Variant Classification Sherloc (09022015). Collection method: clinical testing. Allele origin: germline.
Comment: This sequence change replaces arginine, which is basic and polar, with histidine, which is basic and polar, at codon 153 of the NCF4 protein (p.Arg153His). This variant is present in population databases (rs35160112, gnomAD 0.1%). This variant has not been reported in the literature in individuals affected with NCF4-related conditions. ClinVar contains an entry for this variant (Variation ID: 660663). Algorithms developed to predict the effect of missense changes on protein structure and function output the following: SIFT: "Deleterious"; PolyPhen-2: "Benign"; Align-GVGD: "Class C0". The histidine amino acid residue is found in multiple mammalian species, which suggests that this missense change does not adversely affect protein function. In summary, the available evidence is currently insufficient to determine the role of this variant in disease. Therefore, it has been classified as a Variant of Uncertain Significance.

NM_000631.5(NCF4):c.458G>A (p.Arg153His)

Gene: NCF4 (neutrophil cytosolic factor 4; plus strand). Cytogenetic location: 22q12.3.
Variant type: single nucleotide variant.
Coding change: c.458G>A on transcript NM_000631.5 (MANE Select); coding-DNA position 458, G replaced by A.
Protein change: p.Arg153His; replaces arginine 153 with histidine.
Molecular consequence: missense variant.
Genome position (GRCh38, 1-based): chr22:36,870,530, G>A. VCF-style: chr22-36870530-G-A. GRCh37 (hg19) VCF-style: chr22-37266572-G-A.
Other names: c.458G>A, p.Arg153His (NM_013416.4); short protein forms R153H.
Identifiers: ClinVar variation 660663 (VCV000660663.6), dbSNP rs35160112, ClinGen allele CA10213003.